The following is an entry in ClinVar:

ClinVar aggregate classification (germline): Uncertain significance (1 of 4 stars; one submission).

Submission:

GeneDx
Classification: Uncertain significance. Last evaluated: 2025-03-07. Review status: criteria provided, single submitter. Criteria: GeneDx Variant Classification Process June 2021. Collection method: clinical testing. Allele origin: germline. Affected: yes.
Comment: Not observed at significant frequency in large population cohorts (gnomAD); In silico analysis supports that this missense variant has a deleterious effect on protein structure/function; Has not been previously published as pathogenic or benign to our knowledge

NM_015107.3(PHF8):c.2057G>T (p.Ser686Ile)

Gene: PHF8 (PHD finger protein 8; minus strand). Cytogenetic location: Xp11.22.
Variant type: single nucleotide variant.
Coding change: c.2057G>T on transcript NM_015107.3 (MANE Select); coding-DNA position 2057, G replaced by T.
Protein change: p.Ser686Ile; replaces serine 686 with isoleucine.
Molecular consequence: missense variant. On other transcripts: intron variant (1).
Genome position (GRCh38, 1-based): chrX:53,985,888, C>A on the plus strand (G>T on the coding strand, the complement: PHF8 is on the minus strand). VCF-style: chrX-53985888-C-A. GRCh37 (hg19) VCF-style: chrX-54012321-C-A.
Other names: c.2165G>T, p.Ser722Ile (NM_001184896.1, NM_001441097.1); c.1754G>T, p.Ser585Ile (NM_001184897.2); c.1862G>T, p.Ser621Ile (NM_001441096.1, NM_001441098.1); c.2038+19G>T (NM_001184898.2); short protein forms S585I, S621I, S686I, S722I.
Identifiers: ClinVar variation 4082803 (VCV004082803.1).